The following is an entry in ClinVar:

ClinVar aggregate classification (germline): Uncertain significance. Review status: criteria provided, multiple submitters, no conflicts (2 of 4 stars). 6 submissions from 6 submitters: Uncertain significance (6). Last evaluated 2025-11-02.

Conditions:
Hereditary nonpolyposis colorectal neoplasms. Identifiers: MedGen C0009405, MeSH D003123.
Hereditary cancer-predisposing syndrome. Also called: Hereditary Cancer Syndrome; Hereditary neoplastic syndrome; Neoplastic Syndromes, Hereditary; Tumor predisposition. Identifiers: Orphanet 140162, MedGen C0027672, MeSH D009386, MONDO:0015356.
Lynch syndrome 5 (LYNCH5). Also called: Hereditary non-polyposis colorectal cancer, type 5; Colorectal cancer, hereditary nonpolyposis, type 5. Identifiers: Orphanet 144, MedGen C1833477, MONDO:0013710, OMIM 614350. Disease mechanism: loss of function.
Lynch syndrome. Identifiers: Orphanet 144, MedGen C4552100, MONDO:0005835. Disease mechanism: loss of function.
Breast-ovarian cancer, familial, susceptibility to, 1 (BROVCA1). Also called: OVARIAN CANCER, SUSCEPTIBILITY TO; BRCA1 Hereditary Breast and Ovarian Cancer. Identifiers: Orphanet 145, MedGen C2676676, MONDO:0011450, OMIM 604370. Disease mechanism: loss of function.

gnomAD v4.1: 6 of 1,614,200 alleles (0.00037%); highest among the groups gnomAD compares: Non-Finnish European, 0.00051%; no homozygotes.

Submissions (6):

Labcorp Genetics (formerly Invitae), Labcorp
Classification: Uncertain significance for Hereditary nonpolyposis colorectal neoplasms. Last evaluated: 2025-11-02. Review status: criteria provided, single submitter. Criteria: Invitae Variant Classification Sherloc (09022015). Collection method: clinical testing. Allele origin: germline.
Comment: This sequence change replaces serine, which is neutral and polar, with glycine, which is neutral and non-polar, at codon 525 of the MSH6 protein (p.Ser525Gly). This variant is not present in population databases (gnomAD no frequency). This variant has not been reported in the literature in individuals affected with MSH6-related conditions. ClinVar contains an entry for this variant (Variation ID: 819559). Invitae Evidence Modeling of protein sequence and biophysical properties (such as structural, functional, and spatial information, amino acid conservation, physicochemical variation, residue mobility, and thermodynamic stability) indicates that this missense variant is not expected to disrupt MSH6 protein function with a negative predictive value of 95%. In summary, the available evidence is currently insufficient to determine the role of this variant in disease. Therefore, it has been classified as a Variant of Uncertain Significance.

Institute of Immunology and Genetics Kaiserslautern
Classification: Uncertain significance for Breast-ovarian cancer, familial, susceptibility to, 1. Last evaluated: 2025-07-30. Review status: criteria provided, single submitter. Criteria: ACMG Guidelines, 2015. Collection method: clinical testing. Allele origin: germline. Affected: yes.
Comment: ACMG Criteria: PM2_P; Variant was found in heterozygous state.

Ambry Genetics
Classification: Uncertain significance for Hereditary cancer-predisposing syndrome. Last evaluated: 2023-12-29. Review status: criteria provided, single submitter. Criteria: Ambry Variant Classification Scheme 2023. Collection method: clinical testing. Allele origin: germline.
Comment: The p.S525G variant (also known as c.1573A>G), located in coding exon 4 of the MSH6 gene, results from an A to G substitution at nucleotide position 1573. The serine at codon 525 is replaced by glycine, an amino acid with similar properties. This alteration was identified in a cohort of 1644 colorectal cancer patients (Baert-Desurmont S et al. Eur. J. Hum. Genet., 2018 11;26:1597-1602). This amino acid position is highly conserved in available vertebrate species. In addition, the in silico prediction for this alteration is inconclusive. Since supporting evidence is limited at this time, the clinical significance of this alteration remains unclear.

All of Us Research Program, National Institutes of Health
Classification: Uncertain significance for Lynch syndrome. Last evaluated: 2023-11-09. Review status: criteria provided, single submitter. Criteria: ACMG Guidelines, 2015. Collection method: clinical testing. Allele origin: germline. Inheritance: Autosomal dominant inheritance. Observed: 1 variant allele, 1 heterozygote.
Comment: This missense variant replaces serine with glycine at codon 525 of the MSH6 protein. Computational prediction suggests that this variant may not impact protein structure and function (internally defined REVEL score threshold <= 0.5, PMID: 27666373). To our knowledge, functional studies have not been reported for this variant. This variant has not been reported in individuals affected with hereditary cancer in the literature. This variant has not been identified in the general population by the Genome Aggregation Database (gnomAD). The available evidence is insufficient to determine the role of this variant in disease conclusively. Therefore, this variant is classified as a Variant of Uncertain Significance.

This study involves interpretation of variants in research participants for the purpose of population health screening. Participant phenotype was not available at the time of variant classification. Additional details can be found in publication PMID: 35346344, PMCID: PMC8962531

Color Diagnostics, LLC DBA Color Health
Classification: Uncertain significance for Hereditary cancer-predisposing syndrome. Last evaluated: 2021-04-20. Review status: criteria provided, single submitter. Criteria: ACMG Guidelines, 2015. Collection method: clinical testing. Allele origin: germline.
Comment: This missense variant replaces serine with glycine at codon 525 of the MSH6 protein. Computational prediction suggests that this variant may not impact protein structure and function (internally defined REVEL score threshold <= 0.5, PMID: 27666373). To our knowledge, functional studies have not been reported for this variant. This variant has not been reported in individuals affected with hereditary cancer in the literature. This variant has not been identified in the general population by the Genome Aggregation Database (gnomAD). The available evidence is insufficient to determine the role of this variant in disease conclusively. Therefore, this variant is classified as a Variant of Uncertain Significance.

Neuberg Centre For Genomic Medicine, NCGM
Classification: Uncertain significance for Lynch syndrome 5. Review status: criteria provided, single submitter. Criteria: ACMG Guidelines, 2015. Collection method: clinical testing. Allele origin: germline. Inheritance: Autosomal dominant inheritance. Affected: yes.
Comment: The missense variant c.1573A>G (p.Ser525Gly) in MSH6 gene has not been reported previously as a pathogenic variant nor as a benign variant, to our knowledge. The p.Ser525Gly variant is novel (not in any individuals) in gnomAD Exomes and 1000 Genomes. This variant has been reported to the ClinVar database as Uncertain Significance. The amino acid Ser at position 525 is changed to a Gly changing protein sequence and it might alter its composition and physico-chemical properties.The amino acid change p.Ser525Gly in MSH6 is predicted as conserved by GERP++ and PhyloP across 100 vertebrates. For these reasons, this variant has been classified as Uncertain Significance (VUS).

Literature cited by the submitters: PubMed 29967336 (cited by Ambry Genetics).

NM_000179.3(MSH6):c.1573A>G (p.Ser525Gly)

Gene: MSH6 (mutS homolog 6; plus strand). Cytogenetic location: 2p16.3.
Variant type: single nucleotide variant.
Coding change: c.1573A>G on transcript NM_000179.3 (MANE Select); coding-DNA position 1573, A replaced by G.
Protein change: p.Ser525Gly; replaces serine 525 with glycine.
Molecular consequence: missense variant.
Genome position (GRCh38, 1-based): chr2:47,799,556, A>G. VCF-style: chr2-47799556-A-G. GRCh37 (hg19) VCF-style: chr2-48026695-A-G.
Other names: c.1183A>G, p.Ser395Gly (NM_001281492.2); c.667A>G, p.Ser223Gly (NM_001281493.2, NM_001281494.2); short protein forms S525G, S223G, S395G.
Identifiers: ClinVar variation 819559 (VCV000819559.18), dbSNP rs1572723488, ClinGen allele CA346746806.